The following is an entry in ClinVar:

ClinVar aggregate classification (germline): Conflicting classifications of pathogenicity. Review status: criteria provided, conflicting classifications (1 of 4 stars). 2 submissions from 2 submitters: Uncertain significance (1); Likely benign (1). Last evaluated 2026-05-01.

gnomAD v4.1: 898 of 1,602,762 alleles (0.056%); highest among the groups gnomAD compares: African/African-American, 0.29%; 3 homozygotes.

Submissions (2):

CeGaT Center for Human Genetics Tuebingen
Classification: Likely benign. Last evaluated: 2026-05-01. Review status: criteria provided, single submitter. Criteria: CeGaT Center For Human Genetics Tuebingen Variant Classification Criteria Version 2. Collection method: clinical testing. Allele origin: germline. Affected: yes. Observed: 1 variant allele.
Comment: MUC5B: BP4

Ambry Genetics
Classification: Uncertain significance. Last evaluated: 2025-09-25. Review status: criteria provided, single submitter. Criteria: Ambry Variant Classification Scheme 2023. Collection method: clinical testing. Allele origin: germline.

NM_002458.3(MUC5B):c.9461C>T (p.Pro3154Leu)

Genes: MUC5B (mucin 5B, oligomeric mucus/gel-forming; plus strand), MUC5B-AS1 (MUC5B antisense RNA 1; minus strand). Cytogenetic location: 11p15.5.
Variant type: single nucleotide variant.
Coding change: c.9461C>T on transcript NM_002458.3 (MANE Select); coding-DNA position 9461, C replaced by T.
Protein change: p.Pro3154Leu; replaces proline 3154 with leucine.
Molecular consequence: missense variant.
Genome position (GRCh38, 1-based): chr11:1,246,341, C>T. VCF-style: chr11-1246341-C-T. GRCh37 (hg19) VCF-style: chr11-1267571-C-T.
Other names: short protein forms P3154L.
Identifiers: ClinVar variation 4554248 (VCV004554248.3).